The following is an entry in ClinVar:

NM_015178.3(RHOBTB2):c.1051G>A (p.Val351Met)

Gene: RHOBTB2 (Rho related BTB domain containing 2; plus strand). Cytogenetic location: 8p21.3.
Variant type: single nucleotide variant.
Coding change: c.1051G>A on transcript NM_015178.3 (MANE Select); coding-DNA position 1051, G replaced by A.
Protein change: p.Val351Met; replaces valine 351 with methionine.
Molecular consequence: missense variant.
Genome position (GRCh38, 1-based): chr8:23,007,296, G>A. VCF-style: chr8-23007296-G-A. GRCh37 (hg19) VCF-style: chr8-22864809-G-A.
Other names: c.1117G>A, p.Val373Met (NM_001160036.2); c.1072G>A, p.Val358Met (NM_001160037.2); c.1051G>A, p.Val351Met (NM_001374791.1); short protein forms V358M, V351M, V373M.
Identifiers: ClinVar variation 1904917 (VCV001904917.5), dbSNP rs754709051, ClinGen allele CA4672593.
Genomic context (GRCh38, chr8:23,007,296, plus strand): 5'-CACCACCACCATGGGCGAGACTTCCTGCTCCGAGCAGCCAGCTTTGACGTGTGCGAGAGC[G>A]TGGATGAGGCTGGGGGCTCCGGTCCTGCTGGCCTCCGTGCTTCCACCAGCGACGGGATCT-3'
Protein context (NP_055993.2, residues 341-361): RAASFDVCES[Val351Met]DEAGGSGPAG

ClinVar aggregate classification (germline): Uncertain significance (1 of 4 stars; one submission).

Allele frequency attached by ClinVar (database versions not stated): ExAC 0.00001; gnomAD 0.00002; TOPMed 0.00002.

Submission:

Labcorp Genetics (formerly Invitae), Labcorp
Classification: Uncertain significance. Last evaluated: 2025-04-26. Review status: criteria provided, single submitter. Criteria: Invitae Variant Classification Sherloc (09022015). Collection method: clinical testing. Allele origin: germline.
Comment: This sequence change replaces valine, which is neutral and non-polar, with methionine, which is neutral and non-polar, at codon 373 of the RHOBTB2 protein (p.Val373Met). This variant is present in population databases (rs754709051, gnomAD 0.008%). This variant has not been reported in the literature in individuals affected with RHOBTB2-related conditions. ClinVar contains an entry for this variant (Variation ID: 1904917). Invitae Evidence Modeling of protein sequence and biophysical properties (such as structural, functional, and spatial information, amino acid conservation, physicochemical variation, residue mobility, and thermodynamic stability) indicates that this missense variant is not expected to disrupt RHOBTB2 protein function with a negative predictive value of 80%. In summary, the available evidence is currently insufficient to determine the role of this variant in disease. Therefore, it has been classified as a Variant of Uncertain Significance.